The following is an entry in ClinVar:

NM_000455.5(STK11):c.213G>C (p.Thr71=)

Gene: STK11 (serine/threonine kinase 11; plus strand). Cytogenetic location: 19p13.3.
Variant type: single nucleotide variant.
Coding change: c.213G>C on transcript NM_000455.5 (MANE Select); coding-DNA position 213, G replaced by C.
Protein change: p.Thr71=; no amino-acid change (threonine 71 retained).
Molecular consequence: synonymous variant. On other transcripts: non-coding transcript variant (1).
Genome position (GRCh38, 1-based): chr19:1,207,126, G>C. VCF-style: chr19-1207126-G-C. GRCh37 (hg19) VCF-style: chr19-1207125-G-C.
Other names: c.213G>C, p.Thr71= (NM_001407255.1).
Identifiers: ClinVar variation 2194095 (VCV002194095.5), dbSNP rs768532101, ClinGen allele CA504706307.

ClinVar aggregate classification (germline): Benign/Likely benign. Review status: criteria provided, multiple submitters, no conflicts (2 of 4 stars). 2 submissions from 2 submitters: Benign (1); Likely benign (1). Last evaluated 2025-03-25.

Conditions:
Peutz-Jeghers syndrome (PJS). Also called: Peutz-Jeghers polyposis; Periorificial lentiginosis syndrome; POLYPOSIS, HAMARTOMATOUS INTESTINAL; POLYPS-AND-SPOTS SYNDROME. Identifiers: Orphanet 2869, MedGen C0031269, MeSH D010580, MONDO:0008280, OMIM 175200.

Submissions (2):

Myriad Genetics, Inc.
Classification: Benign for Peutz-Jeghers syndrome. Last evaluated: 2025-03-25. Review status: criteria provided, single submitter. Criteria: Myriad Autosomal Dominant, Autosomal Recessive and X-Linked Classification Criteria (2023). Collection method: clinical testing. Allele origin: unknown.
Comment: This variant is considered benign. This variant is a silent/synonymous amino acid change and it is not expected to impact splicing.

Labcorp Genetics (formerly Invitae), Labcorp
Classification: Likely benign for Peutz-Jeghers syndrome. Last evaluated: 2023-05-25. Review status: criteria provided, single submitter. Criteria: Invitae Variant Classification Sherloc (09022015). Collection method: clinical testing. Allele origin: germline.